The following is an entry in ClinVar:

NM_020779.4(WDR35):c.628A>G (p.Ile210Val)

Gene: WDR35 (WD repeat domain 35; minus strand). Cytogenetic location: 2p24.1.
Variant type: single nucleotide variant.
Coding change: c.628A>G on transcript NM_020779.4 (MANE Select); coding-DNA position 628, A replaced by G.
Protein change: p.Ile210Val; replaces isoleucine 210 with valine.
Molecular consequence: missense variant.
Genome position (GRCh38, 1-based): chr2:19,974,576, T>C on the plus strand (A>G on the coding strand, the complement: WDR35 is on the minus strand). VCF-style: chr2-19974576-T-C. GRCh37 (hg19) VCF-style: chr2-20174337-T-C.
Other names: c.628A>G, p.Ile210Val (NM_001006657.2); short protein forms I210V.
Identifiers: ClinVar variation 1499148 (VCV001499148.9), dbSNP rs1413290520, ClinGen allele CA345947299.

ClinVar aggregate classification (germline): Uncertain significance. Review status: criteria provided, multiple submitters, no conflicts (2 of 4 stars). 2 submissions from 2 submitters: Uncertain significance (2). Last evaluated 2024-02-19.

Conditions:
Cranioectodermal dysplasia 2 (CED2). Identifiers: Orphanet 1515, MedGen C3150874, MONDO:0013323, OMIM 613610.
Short-rib thoracic dysplasia 7 with or without polydactyly (SRTD7). Also called: Short rib polydactyly syndrome 5; SHORT-RIB THORACIC DYSPLASIA 7 WITH POLYDACTYLY. Identifiers: Orphanet 498497, Orphanet 93271, MedGen C3279792, MONDO:0013569, OMIM 614091.

Allele frequency attached by ClinVar (database versions not stated): gnomAD 0.00003; TOPMed 0.00003.
gnomAD v4.1: 5 of 1,613,474 alleles (0.00031%); highest among the groups gnomAD compares: Admixed American, 0.0033%; no homozygotes.

Submissions (2):

Fulgent Genetics
Classification: Uncertain significance for Cranioectodermal dysplasia 2; Short-rib thoracic dysplasia 7 with or without polydactyly. Last evaluated: 2024-02-19. Review status: criteria provided, single submitter. Criteria: ACMG Guidelines, 2015. Collection method: clinical testing. Allele origin: germline.

Labcorp Genetics (formerly Invitae), Labcorp
Classification: Uncertain significance for Cranioectodermal dysplasia 2; Short-rib thoracic dysplasia 7 with or without polydactyly. Last evaluated: 2024-01-17. Review status: criteria provided, single submitter. Criteria: Invitae Variant Classification Sherloc (09022015). Collection method: clinical testing. Allele origin: germline.
Comment: This sequence change replaces isoleucine, which is neutral and non-polar, with valine, which is neutral and non-polar, at codon 210 of the WDR35 protein (p.Ile210Val). This variant is not present in population databases (gnomAD no frequency). This variant has not been reported in the literature in individuals affected with WDR35-related conditions. ClinVar contains an entry for this variant (Variation ID: 1499148). Advanced modeling of protein sequence and biophysical properties (such as structural, functional, and spatial information, amino acid conservation, physicochemical variation, residue mobility, and thermodynamic stability) performed at Invitae indicates that this missense variant is not expected to disrupt WDR35 protein function with a negative predictive value of 80%. In summary, the available evidence is currently insufficient to determine the role of this variant in disease. Therefore, it has been classified as a Variant of Uncertain Significance.